The following is an entry in ClinVar:

NM_001363711.2(DUOX2):c.1711C>A (p.Pro571Thr)

Gene: DUOX2 (dual oxidase 2; minus strand). Cytogenetic location: 15q21.1.
Variant type: single nucleotide variant.
Coding change: c.1711C>A on transcript NM_001363711.2 (MANE Select); coding-DNA position 1711, C replaced by A.
Protein change: p.Pro571Thr; replaces proline 571 with threonine.
Molecular consequence: missense variant.
Genome position (GRCh38, 1-based): chr15:45,106,952, G>T on the plus strand (C>A on the coding strand, the complement: DUOX2 is on the minus strand). VCF-style: chr15-45106952-G-T. GRCh37 (hg19) VCF-style: chr15-45399150-G-T.
Other names: c.1711C>A, p.Pro571Thr (NM_014080.5); short protein forms P571T.
Identifiers: ClinVar variation 3625529 (VCV003625529.2).

ClinVar aggregate classification (germline): Uncertain significance (1 of 4 stars; one submission).

gnomAD v4.1: 5 of 1,577,730 alleles (0.00032%); highest among the groups gnomAD compares: South Asian, 0.0035%; no homozygotes.

Submission:

Labcorp Genetics (formerly Invitae), Labcorp
Classification: Uncertain significance. Last evaluated: 2024-09-18. Review status: criteria provided, single submitter. Criteria: Invitae Variant Classification Sherloc (09022015). Collection method: clinical testing. Allele origin: germline.
Comment: This sequence change replaces proline, which is neutral and non-polar, with threonine, which is neutral and polar, at codon 571 of the DUOX2 protein (p.Pro571Thr). The frequency data for this variant in the population databases is considered unreliable, as metrics indicate poor data quality at this position in the gnomAD database. This variant has not been reported in the literature in individuals affected with DUOX2-related conditions. Invitae Evidence Modeling of protein sequence and biophysical properties (such as structural, functional, and spatial information, amino acid conservation, physicochemical variation, residue mobility, and thermodynamic stability) indicates that this missense variant is not expected to disrupt DUOX2 protein function with a negative predictive value of 80%. In summary, the available evidence is currently insufficient to determine the role of this variant in disease. Therefore, it has been classified as a Variant of Uncertain Significance.